The following is an entry in ClinVar:

ClinVar aggregate classification (germline): Pathogenic (1 of 4 stars; one submission).

Allele frequency attached by ClinVar (database versions not stated): gnomAD 0.00001; TOPMed 0.00001; ESP Exome Variant Server 0.00008.
gnomAD v4.1: 1 of 1,614,122 alleles (0.000062%); highest among the groups gnomAD compares: African/African-American, 0.0013%; no homozygotes.

Submission:

Labcorp Genetics (formerly Invitae), Labcorp
Classification: Pathogenic. Last evaluated: 2023-06-23. Review status: criteria provided, single submitter. Criteria: Invitae Variant Classification Sherloc (09022015). Collection method: clinical testing. Allele origin: germline.
Comment: This variant has not been reported in the literature in individuals affected with AAAS-related conditions. This sequence change affects a donor splice site in intron 15 of the AAAS gene. While this variant is not anticipated to result in nonsense mediated decay, it likely alters RNA splicing and results in a disrupted protein product. This variant is present in population databases (rs142399878, gnomAD 0.01%). Variants that disrupt the consensus splice site are a relatively common cause of aberrant splicing (PMID: 17576681, 9536098). Algorithms developed to predict the effect of sequence changes on RNA splicing suggest that this variant may disrupt the consensus splice site. This variant disrupts a region of the AAAS protein in which other variant(s) (p.Arg478*) have been determined to be pathogenic (PMID: 11062474, 14646395, 29874194, 30381913). This suggests that this is a clinically significant region of the protein, and that variants that disrupt it are likely to be disease-causing. For these reasons, this variant has been classified as Pathogenic.

Literature cited by the submitters: PubMed 17576681; PubMed 9536098; PubMed 11062474; PubMed 14646395; PubMed 29874194; PubMed 30381913.

NM_015665.6(AAAS):c.1416+1G>A

Gene: AAAS (aladin WD repeat nucleoporin; minus strand). Cytogenetic location: 12q13.13.
Variant type: single nucleotide variant.
Coding change: c.1416+1G>A on transcript NM_015665.6 (MANE Select); the canonical splice donor site of the intron after coding-DNA position 1416, G replaced by A.
Molecular consequence: splice donor variant.
Genome position (GRCh38, 1-based): chr12:53,307,844, C>T on the plus strand (G>A on the coding strand, the complement: AAAS is on the minus strand). VCF-style: chr12-53307844-C-T. GRCh37 (hg19) VCF-style: chr12-53701628-C-T.
Other names: c.1317+1G>A (NM_001173466.2).
Identifiers: ClinVar variation 3001340 (VCV003001340.3), dbSNP rs142399878, ClinGen allele CA237330708.